The following is an entry in ClinVar:

NM_001267550.2(TTN):c.103518del (p.Ala34507fs)

Genes: TTN-AS1 (TTN antisense RNA 1; plus strand), TTN (titin; minus strand). Cytogenetic location: 2q31.2.
Variant type: Deletion.
Coding change: c.103518del on transcript NM_001267550.2 (MANE Select); coding-DNA position 103518, one base deleted (T; older notation c.103518delT).
Protein change: p.Ala34507fs; shifts the reading frame from alanine 34507.
Molecular consequence: frameshift variant.
Genome position (GRCh38, 1-based): chr2:178,533,097, A deleted on the plus strand (T on the coding strand, the reverse complement: TTN is on the minus strand). VCF-style (leftmost placement, unchanged base first): chr2-178533096-CA-C. GRCh37 (hg19) VCF-style: chr2-179397823-CA-C.
Other names: c.103518delT (NM_001267550.2); c.98595del, p.Ala32866fs (NM_001256850.1); c.76323del, p.Ala25442fs (NM_003319.4); c.95814del, p.Ala31939fs (NM_133378.4); c.76698del, p.Ala25567fs (NM_133432.3); c.76899del, p.Ala25634fs (NM_133437.4); short protein forms A25634fs, A32866fs, A25567fs, A34507fs, A25442fs, A31939fs.
Identifiers: ClinVar variation 535019 (VCV000535019.2), dbSNP rs1553491220, ClinGen allele CA658795984.
Genomic context (GRCh38, chr2:178,533,096, plus strand): 5'-TCTCAAGTCTGAATTCCCCTTTTACAGTCTTGGTGCTTACAGCCGGTTTATAAAGGACAG[CA>C]GCTTCTCTCAGAGCCTCTTTAGCTACCTGTGTCAGTGGTACACTTTCAGTTCCAGAAAGA-3'

ClinVar aggregate classification (germline): Likely pathogenic (1 of 4 stars; one submission).

Conditions:
Autosomal recessive limb-girdle muscular dystrophy type 2J (LGMDR10). Also called: Limb-girdle muscular dystrophy, type 2J; MUSCULAR DYSTROPHY, LIMB-GIRDLE, AUTOSOMAL RECESSIVE 10. Identifiers: Orphanet 140922, MedGen C1837342, MONDO:0012127, OMIM 608807.
Dilated cardiomyopathy 1G (CMD1G). Identifiers: Orphanet 154, MedGen C1858763, MONDO:0011400, OMIM 604145.

Submission:

Labcorp Genetics (formerly Invitae), Labcorp
Classification: Likely pathogenic for Dilated cardiomyopathy 1G; Limb-girdle muscular dystrophy, type 2J. Last evaluated: 2019-07-18. Review status: criteria provided, single submitter. Criteria: Invitae Variant Classification Sherloc (09022015). Collection method: clinical testing. Allele origin: germline.
Comment: This sequence change results in a premature translational stop signal in the TTN gene (p.Ala34507Leufs*8). While this is not anticipated to result in nonsense mediated decay, it is expected to disrupt the TTN protein. This variant is not present in population databases (ExAC no frequency). This variant is found in the M-band of this gene. While this particular variant has not been reported in the literature, truncating variants in the M-band of TTN previously reported in patients affected with various forms of myopathy and muscular dystrophy (PMID: 18948003, 23975875, 24395473). Heterozygous truncating variants in the M-band of this gene are not currently associated with cardiovascular manifestations. In summary, the currently available evidence indicates that the variant is pathogenic, but additional data are needed to prove that conclusively. Therefore, this variant has been classified as Likely Pathogenic.

Literature cited by the submitters: PubMed 23975875; PubMed 18948003; PubMed 24395473.